The following is an entry in ClinVar:

NM_021930.6(RINT1):c.29C>T (p.Ser10Phe)

Gene: RINT1 (RAD50 interactor 1; plus strand). Cytogenetic location: 7q22.3.
Variant type: single nucleotide variant.
Coding change: c.29C>T on transcript NM_021930.6 (MANE Select); coding-DNA position 29, C replaced by T.
Protein change: p.Ser10Phe; replaces serine 10 with phenylalanine.
Molecular consequence: missense variant. On other transcripts: 5 prime UTR variant (4), non-coding transcript variant (1).
Genome position (GRCh38, 1-based): chr7:105,532,344, C>T. VCF-style: chr7-105532344-C-T. GRCh37 (hg19) VCF-style: chr7-105172791-C-T.
Other names: c.-69C>T (NM_001346599.2); c.-991C>T (NM_001346600.2); c.-894C>T (NM_001346601.2); c.-514C>T (NM_001346603.2); short protein forms S10F.
Identifiers: ClinVar variation 645732 (VCV000645732.13), dbSNP rs1301146115, ClinGen allele CA368799026.

ClinVar aggregate classification (germline): Uncertain significance. Review status: criteria provided, multiple submitters, no conflicts (2 of 4 stars). 2 submissions from 2 submitters: Uncertain significance (2). Last evaluated 2025-11-10.

Allele frequency attached by ClinVar (database versions not stated): gnomAD exomes below 0.00001; TOPMed 0.00001.
gnomAD v4.1: 42 of 1,600,294 alleles (0.0026%); highest among the groups gnomAD compares: Non-Finnish European, 0.0035%; no homozygotes.

Submissions (2):

Labcorp Genetics (formerly Invitae), Labcorp
Classification: Uncertain significance. Last evaluated: 2025-11-10. Review status: criteria provided, single submitter. Criteria: Invitae Variant Classification Sherloc (09022015). Collection method: clinical testing. Allele origin: germline.
Comment: This sequence change replaces serine, which is neutral and polar, with phenylalanine, which is neutral and non-polar, at codon 10 of the RINT1 protein (p.Ser10Phe). The frequency data for this variant in the population databases is considered unreliable, as metrics indicate poor data quality at this position in the gnomAD database. This variant has not been reported in the literature in individuals affected with RINT1-related conditions. ClinVar contains an entry for this variant (Variation ID: 645732). An algorithm developed to predict the effect of missense changes on protein structure and function (PolyPhen-2) suggests that this variant is likely to be tolerated. In summary, the available evidence is currently insufficient to determine the role of this variant in disease. Therefore, it has been classified as a Variant of Uncertain Significance.

Ambry Genetics
Classification: Uncertain significance. Last evaluated: 2024-01-26. Review status: criteria provided, single submitter. Criteria: Ambry Variant Classification Scheme 2023. Collection method: clinical testing. Allele origin: germline.
Comment: The p.S10F variant (also known as c.29C>T), located in coding exon 1 of the RINT1 gene, results from a C to T substitution at nucleotide position 29. The serine at codon 10 is replaced by phenylalanine, an amino acid with highly dissimilar properties. This amino acid position is conserved. In addition, this alteration is predicted to be tolerated by in silico analysis. Since supporting evidence is limited at this time, the clinical significance of this alteration remains unclear.